The following is an entry in ClinVar:

ClinVar aggregate classification (germline): Pathogenic/Likely pathogenic. Review status: criteria provided, multiple submitters, no conflicts (2 of 4 stars). 3 submissions from 3 submitters: Pathogenic (2); Likely pathogenic (1). Last evaluated 2025-10-03.

Conditions:
Cerebral arteriopathy, autosomal dominant, with subcortical infarcts and leukoencephalopathy, type 1 (CADASIL1). Also called: Cerebral arteriopathy with subcortical infarcts and leukoencephalopathy 1; CADASIL 1; CASIL; DEMENTIA, HEREDITARY MULTIINFARCT TYPE. Identifiers: Orphanet 136, MedGen C4551768, MONDO:0000914, OMIM 125310.

Submissions (3):

Mayo Clinic Laboratories, Mayo Clinic
Classification: Pathogenic. Last evaluated: 2025-10-03. Review status: criteria provided, single submitter. Criteria: ACMG Guidelines, 2015. Collection method: clinical testing. Allele origin: germline. Observed: 1 variant allele.
Comment: PP3_strong, PM1, PM2_supporting, PM5, PS4_moderate

3billion
Classification: Likely pathogenic for Cerebral arteriopathy, autosomal dominant, with subcortical infarcts and leukoencephalopathy, type 1. Last evaluated: 2023-02-23. Review status: criteria provided, single submitter. Criteria: ACMG Guidelines, 2015. Collection method: clinical testing. Allele origin: unknown. Affected: yes.
Comment: The variant is not observed in the gnomAD v2.1.1 dataset. Missense changes are a common disease-causing mechanism. In silico tool predictions suggest damaging effect of the variant on gene or gene product (REVEL: 0.98; 3Cnet: 0.41). Same nucleotide change resulting in same amino acid change has been previously reported to be associated with NOTCH3 related disorder (ClinVar ID: VCV000994848 / PMID: 22688109). Different missense changes at the same codon (p.Cys260Arg, p.Cys260Gly, p.Cys260Tyr) have been reported to be associated with NOTCH3-related disorder (PMID: 15364702, 19683925, 24840674). Therefore, this variant is classified as Likely pathogenic according to the recommendation of ACMG/AMP guideline.

Athena Diagnostics
Classification: Pathogenic. Last evaluated: 2020-02-28. Review status: criteria provided, single submitter. Criteria: Athena Diagnostics Criteria. Collection method: clinical testing. Allele origin: unknown.
Comment: The variant disrupts a cysteine residue in an EGF-like repeat domain, which is important for the structure of this protein. Therefore it is expected to severely affect the function of the protein. Found in at least one patient with expected phenotype for this gene, and not found in general population data.

Literature cited by the submitters: PubMed 22688109 (cited by Mayo Clinic Laboratories, Mayo Clinic and 3billion); PubMed 28710804 (cited by Mayo Clinic Laboratories, Mayo Clinic and Athena Diagnostics); PubMed 28991717 (cited by Mayo Clinic Laboratories, Mayo Clinic and Athena Diagnostics); PubMed 30956055 (cited by Mayo Clinic Laboratories, Mayo Clinic and Athena Diagnostics); PubMed 32277177 (cited by Mayo Clinic Laboratories, Mayo Clinic); PubMed 15364702 (cited by 3billion); PubMed 19683925 (cited by 3billion); PubMed 24840674 (cited by 3billion).

NM_000435.3(NOTCH3):c.779G>T (p.Cys260Phe)

Gene: NOTCH3 (notch receptor 3; minus strand). Cytogenetic location: 19p13.12.
Variant type: single nucleotide variant.
Coding change: c.779G>T on transcript NM_000435.3 (MANE Select); coding-DNA position 779, G replaced by T.
Protein change: p.Cys260Phe; replaces cysteine 260 with phenylalanine.
Molecular consequence: missense variant.
Genome position (GRCh38, 1-based): chr19:15,191,768, C>A on the plus strand (G>T on the coding strand, the complement: NOTCH3 is on the minus strand). VCF-style: chr19-15191768-C-A. GRCh37 (hg19) VCF-style: chr19-15302579-C-A.
Other names: p.Cys260Phe; short protein forms C260F.
Identifiers: ClinVar variation 994848 (VCV000994848.3), dbSNP rs2046928618, ClinGen allele CA404532276.
Genomic context (GRCh38, chr19:15,191,768, plus strand): 5'-GGCCTGCCTCCCCGCTCCCTCTGGCCGCAGTGCCCACCTGTCCACTCAGGAGGGCACTGG[C>A]AGTTATAGGTGTTGACGCCATCCACGCATGTCCCCCCATTGAGACATCGGTGTCCTGGAC-3'
Protein context (NP_000426.2, residues 250-270): TCVDGVNTYN[Cys260Phe]QCPPEWTGQF